The following is an entry in ClinVar:

NM_014918.5(CHSY1):c.469C>G (p.His157Asp)

Gene: CHSY1 (chondroitin sulfate synthase 1; minus strand). Cytogenetic location: 15q26.3.
Variant type: single nucleotide variant.
Coding change: c.469C>G on transcript NM_014918.5 (MANE Select); coding-DNA position 469, C replaced by G.
Protein change: p.His157Asp; replaces histidine 157 with aspartic acid.
Molecular consequence: missense variant.
Genome position (GRCh38, 1-based): chr15:101,235,429, G>C on the plus strand (C>G on the coding strand, the complement: CHSY1 is on the minus strand). VCF-style: chr15-101235429-G-C. GRCh37 (hg19) VCF-style: chr15-101775634-G-C.
Other names: short protein forms H157D.
Identifiers: ClinVar variation 2092290 (VCV002092290.4), dbSNP rs2141275520, ClinGen allele CA393968218.

ClinVar aggregate classification (germline): Uncertain significance (1 of 4 stars; one submission).

Conditions:
Temtamy preaxial brachydactyly syndrome (TPBS). Identifiers: Orphanet 363417, MedGen C1854466, MONDO:0011533, OMIM 605282.

Submission:

Labcorp Genetics (formerly Invitae), Labcorp
Classification: Uncertain significance for Temtamy preaxial brachydactyly syndrome. Last evaluated: 2025-09-02. Review status: criteria provided, single submitter. Criteria: Invitae Variant Classification Sherloc (09022015). Collection method: clinical testing. Allele origin: germline.
Comment: This sequence change replaces histidine, which is basic and polar, with aspartic acid, which is acidic and polar, at codon 157 of the CHSY1 protein (p.His157Asp). This variant is not present in population databases (gnomAD no frequency). This variant has not been reported in the literature in individuals affected with CHSY1-related conditions. ClinVar contains an entry for this variant (Variation ID: 2092290). Invitae Evidence Modeling of protein sequence and biophysical properties (such as structural, functional, and spatial information, amino acid conservation, physicochemical variation, residue mobility, and thermodynamic stability) indicates that this missense variant is expected to disrupt CHSY1 protein function with a positive predictive value of 80%. In summary, the available evidence is currently insufficient to determine the role of this variant in disease. Therefore, it has been classified as a Variant of Uncertain Significance.